The following is an entry in ClinVar:

NM_000179.3(MSH6):c.3901A>T (p.Asn1301Tyr)

Gene: MSH6 (mutS homolog 6; plus strand). Cytogenetic location: 2p16.3.
Variant type: single nucleotide variant.
Coding change: c.3901A>T on transcript NM_000179.3 (MANE Select); coding-DNA position 3901, A replaced by T.
Protein change: p.Asn1301Tyr; replaces asparagine 1301 with tyrosine.
Molecular consequence: missense variant.
Genome position (GRCh38, 1-based): chr2:47,806,551, A>T. VCF-style: chr2-47806551-A-T. GRCh37 (hg19) VCF-style: chr2-48033690-A-T.
Other names: c.3511A>T, p.Asn1171Tyr (NM_001281492.2); c.2995A>T, p.Asn999Tyr (NM_001281493.2, NM_001281494.2, NM_001406823.1 and 6 more transcripts); c.3997A>T, p.Asn1333Tyr (NM_001406795.1); c.3901A>T, p.Asn1301Tyr (NM_001406796.1, NM_001406808.1, NM_001406809.1); c.3604A>T, p.Asn1202Tyr (NM_001406797.1, NM_001406801.1, NM_001406805.1 and 10 more transcripts); c.3727A>T, p.Asn1243Tyr (NM_001406798.1); c.3376A>T, p.Asn1126Tyr (NM_001406799.1, NM_001406806.1, NM_001406807.1); c.3888A>T, p.Leu1296Phe (NM_001406800.1); and 8 more; short protein forms N1303Y, N1333Y, N250Y, N616Y, L1296F, N1013Y, N1245Y, N1202Y.
Identifiers: ClinVar variation 1736028 (VCV001736028.2), dbSNP rs1184905732, ClinGen allele CA346761423.

ClinVar aggregate classification (germline): Uncertain significance (1 of 4 stars; one submission).

Conditions:
Hereditary cancer-predisposing syndrome. Also called: Neoplastic Syndromes, Hereditary; Tumor predisposition; Hereditary Cancer Syndrome; Hereditary neoplastic syndrome. Identifiers: Orphanet 140162, MedGen C0027672, MeSH D009386, MONDO:0015356.

Submission:

Ambry Genetics
Classification: Uncertain significance for Hereditary cancer-predisposing syndrome. Last evaluated: 2022-03-01. Review status: criteria provided, single submitter. Criteria: Ambry Variant Classification Scheme 2023. Collection method: clinical testing. Allele origin: germline.
Comment: The p.N1301Y variant (also known as c.3901A>T), located in coding exon 9 of the MSH6 gene, results from an A to T substitution at nucleotide position 3901. The asparagine at codon 1301 is replaced by tyrosine, an amino acid with dissimilar properties. This amino acid position is conserved. In addition, this alteration is predicted to be deleterious by in silico analysis. Since supporting evidence is limited at this time, the clinical significance of this alteration remains unclear.